The following is an entry in ClinVar:

NM_172107.4(KCNQ2):c.917C>A (p.Ala306Glu)

Gene: KCNQ2 (potassium voltage-gated channel subfamily Q member 2; minus strand). Cytogenetic location: 20q13.33.
Variant type: single nucleotide variant.
Coding change: c.917C>A on transcript NM_172107.4 (MANE Select); coding-DNA position 917, C replaced by A.
Protein change: p.Ala306Glu; replaces alanine 306 with glutamic acid.
Molecular consequence: missense variant.
Genome position (GRCh38, 1-based): chr20:63,439,608, G>T on the plus strand (C>A on the coding strand, the complement: KCNQ2 is on the minus strand). VCF-style: chr20-63439608-G-T. GRCh37 (hg19) VCF-style: chr20-62070961-G-T.
Other names: c.917C>A (NM_172107.2); c.917C>A, p.Ala306Glu (NM_001382235.1, NM_004518.6, NM_172106.3 and 2 more transcripts); short protein forms A306E.
Identifiers: ClinVar variation 1066055 (VCV001066055.12), dbSNP rs864321707, ClinGen allele CA409652465.

ClinVar aggregate classification (germline): Pathogenic/Likely pathogenic. Review status: criteria provided, multiple submitters, no conflicts (2 of 4 stars). 2 submissions from 2 submitters: Pathogenic (1); Likely pathogenic (1). Last evaluated 2026-01-22.

Conditions:
Early-infantile DEE. Also called: Ohtahara syndrome; Early infantile epileptic encephalopathy with suppression bursts; Early infantile epileptic encephalopathy. Identifiers: Orphanet 1934, MedGen C0393706, MONDO:0800491.

Submissions (2):

GeneDx
Classification: Pathogenic. Last evaluated: 2026-01-22. Review status: criteria provided, single submitter. Criteria: GeneDx Variant Classification Process June 2021. Collection method: clinical testing. Allele origin: germline.
Comment: Not observed at significant frequency in large population cohorts (gnomAD); In silico analysis supports that this missense variant has a deleterious effect on protein structure/function; This substitution is predicted to be within the transmembrane segment S6; Has not been previously published as pathogenic or benign to our knowledge

Labcorp Genetics (formerly Invitae), Labcorp
Classification: Likely pathogenic for Early-infantile DEE. Last evaluated: 2022-06-13. Review status: criteria provided, single submitter. Criteria: Invitae Variant Classification Sherloc (09022015). Collection method: clinical testing. Allele origin: germline.
Comment: This variant is not present in population databases (gnomAD no frequency). In summary, the currently available evidence indicates that the variant is pathogenic, but additional data are needed to prove that conclusively. Therefore, this variant has been classified as Likely Pathogenic. This variant disrupts the p.Ala306 amino acid residue in KCNQ2. Other variant(s) that disrupt this residue have been determined to be pathogenic (PMID: 9425895, 14534157, 24375629, 25959266, 26704558, 27535030, 29390993). This suggests that this residue is clinically significant, and that variants that disrupt this residue are likely to be disease-causing. Algorithms developed to predict the effect of sequence changes on RNA splicing suggest that this variant may create or strengthen a splice site. Advanced modeling of protein sequence and biophysical properties (such as structural, functional, and spatial information, amino acid conservation, physicochemical variation, residue mobility, and thermodynamic stability) performed at Invitae indicates that this missense variant is expected to disrupt KCNQ2 protein function. ClinVar contains an entry for this variant (Variation ID: 1066055). This variant has not been reported in the literature in individuals affected with KCNQ2-related conditions. This sequence change replaces alanine, which is neutral and non-polar, with glutamic acid, which is acidic and polar, at codon 306 of the KCNQ2 protein (p.Ala306Glu).

Literature cited by the submitters: PubMed 9425895 (cited by Labcorp Genetics (formerly Invitae), Labcorp); PubMed 14534157 (cited by Labcorp Genetics (formerly Invitae), Labcorp); PubMed 24375629 (cited by Labcorp Genetics (formerly Invitae), Labcorp); PubMed 25959266 (cited by Labcorp Genetics (formerly Invitae), Labcorp); PubMed 26704558 (cited by Labcorp Genetics (formerly Invitae), Labcorp); PubMed 27535030 (cited by Labcorp Genetics (formerly Invitae), Labcorp); PubMed 29390993 (cited by Labcorp Genetics (formerly Invitae), Labcorp).